The following is an entry in ClinVar:

ClinVar aggregate classification (germline): Uncertain significance (1 of 4 stars; one submission).

Conditions:
Adams-Oliver syndrome 5 (AOS5). Identifiers: Orphanet 974, MedGen C4014970, MONDO:0014459, OMIM 616028.

gnomAD v4.1: 4 of 1,611,568 alleles (0.00025%); highest among the groups gnomAD compares: Non-Finnish European, 0.00034%; no homozygotes.

Submission:

Labcorp Genetics (formerly Invitae), Labcorp
Classification: Uncertain significance for Adams-Oliver syndrome 5. Last evaluated: 2025-11-06. Review status: criteria provided, single submitter. Criteria: Invitae Variant Classification Sherloc (09022015). Collection method: clinical testing. Allele origin: germline.
Comment: This sequence change replaces aspartic acid, which is acidic and polar, with asparagine, which is neutral and polar, at codon 1246 of the NOTCH1 protein (p.Asp1246Asn). This variant is not present in population databases (gnomAD no frequency). This variant has not been reported in the literature in individuals affected with NOTCH1-related conditions. Invitae Evidence Modeling of protein sequence and biophysical properties (such as structural, functional, and spatial information, amino acid conservation, physicochemical variation, residue mobility, and thermodynamic stability) indicates that this missense variant is expected to disrupt NOTCH1 protein function with a positive predictive value of 80%. In summary, the available evidence is currently insufficient to determine the role of this variant in disease. Therefore, it has been classified as a Variant of Uncertain Significance.

NM_017617.5(NOTCH1):c.3736G>A (p.Asp1246Asn)

Gene: NOTCH1 (notch receptor 1; minus strand). Cytogenetic location: 9q34.3.
Variant type: single nucleotide variant.
Coding change: c.3736G>A on transcript NM_017617.5 (MANE Select); coding-DNA position 3736, G replaced by A.
Protein change: p.Asp1246Asn; replaces aspartic acid 1246 with asparagine.
Molecular consequence: missense variant.
Genome position (GRCh38, 1-based): chr9:136,506,881, C>T on the plus strand (G>A on the coding strand, the complement: NOTCH1 is on the minus strand). VCF-style: chr9-136506881-C-T. GRCh37 (hg19) VCF-style: chr9-139401333-C-T.
Other names: short protein forms D1246N.
Identifiers: ClinVar variation 4754250 (VCV004754250.1).